The following is an entry in ClinVar:

NM_020207.7(ERCC6L2):c.4402A>G (p.Met1468Val)

Gene: ERCC6L2 (ERCC excision repair 6 like 2; plus strand). Cytogenetic location: 9q22.32.
Variant type: single nucleotide variant.
Coding change: c.4402A>G on transcript NM_020207.7 (MANE Select); coding-DNA position 4402, A replaced by G.
Protein change: p.Met1468Val; replaces methionine 1468 with valine.
Molecular consequence: missense variant. On other transcripts: non-coding transcript variant (1), intron variant (2).
Genome position (GRCh38, 1-based): chr9:96,012,952, A>G. VCF-style: chr9-96012952-A-G. GRCh37 (hg19) VCF-style: chr9-98775234-A-G.
Other names: c.3674+8251A>G (NM_001375291.1, NM_001375292.1); short protein forms M1468V.
Identifiers: ClinVar variation 4701083 (VCV004701083.1).

ClinVar aggregate classification (germline): Uncertain significance (1 of 4 stars; one submission).

Submission:

Labcorp Genetics (formerly Invitae), Labcorp
Classification: Uncertain significance. Last evaluated: 2025-07-04. Review status: criteria provided, single submitter. Criteria: Invitae Variant Classification Sherloc (09022015). Collection method: clinical testing. Allele origin: germline.
Comment: This sequence change replaces methionine, which is neutral and non-polar, with valine, which is neutral and non-polar, at codon 1479 of the ERCC6L2 protein (p.Met1479Val). This variant is not present in population databases (gnomAD no frequency). This variant has not been reported in the literature in individuals affected with ERCC6L2-related conditions. Experimental studies and prediction algorithms are not available or were not evaluated, and the functional significance of this variant is currently unknown. In summary, the available evidence is currently insufficient to determine the role of this variant in disease. Therefore, it has been classified as a Variant of Uncertain Significance.